The following is an entry in ClinVar:

ClinVar aggregate classification (germline): Uncertain significance (1 of 4 stars; one submission).

Conditions:
Hereditary nonpolyposis colorectal neoplasms. Identifiers: MedGen C0009405, MeSH D003123.

Submission:

Labcorp Genetics (formerly Invitae), Labcorp
Classification: Uncertain significance for Hereditary nonpolyposis colorectal neoplasms. Last evaluated: 2024-04-15. Review status: criteria provided, single submitter. Criteria: Invitae Variant Classification Sherloc (09022015). Collection method: clinical testing. Allele origin: germline.
Comment: This sequence change replaces methionine, which is neutral and non-polar, with isoleucine, which is neutral and non-polar, at codon 1144 of the MSH6 protein (p.Met1144Ile). This variant is not present in population databases (gnomAD no frequency). This variant has not been reported in the literature in individuals affected with MSH6-related conditions. ClinVar contains an entry for this variant (Variation ID: 2099728). Advanced modeling of protein sequence and biophysical properties (such as structural, functional, and spatial information, amino acid conservation, physicochemical variation, residue mobility, and thermodynamic stability) performed at Invitae indicates that this missense variant is not expected to disrupt MSH6 protein function with a negative predictive value of 95%. In summary, the available evidence is currently insufficient to determine the role of this variant in disease. Therefore, it has been classified as a Variant of Uncertain Significance.

NM_000179.3(MSH6):c.3432G>A (p.Met1144Ile)

Gene: MSH6 (mutS homolog 6; plus strand). Cytogenetic location: 2p16.3.
Variant type: single nucleotide variant.
Coding change: c.3432G>A on transcript NM_000179.3 (MANE Select); coding-DNA position 3432, G replaced by A.
Protein change: p.Met1144Ile; replaces methionine 1144 with isoleucine.
Molecular consequence: missense variant.
Genome position (GRCh38, 1-based): chr2:47,803,679, G>A. VCF-style: chr2-47803679-G-A. GRCh37 (hg19) VCF-style: chr2-48030818-G-A.
Other names: c.3042G>A, p.Met1014Ile (NM_001281492.2); c.2526G>A, p.Met842Ile (NM_001281493.2, NM_001281494.2, NM_001406811.1 and 6 more transcripts); c.3528G>A, p.Met1176Ile (NM_001406795.1, NM_001406802.1); c.3432G>A, p.Met1144Ile (NM_001406796.1, NM_001406800.1, NM_001406808.1 and 1 more transcripts); c.3135G>A, p.Met1045Ile (NM_001406797.1, NM_001406801.1, NM_001406805.1 and 10 more transcripts); c.3258G>A, p.Met1086Ile (NM_001406798.1); c.2907G>A, p.Met969Ile (NM_001406799.1, NM_001406806.1, NM_001406807.1); c.2568G>A, p.Met856Ile (NM_001406803.1); and 7 more; short protein forms M1088I, M969I, M1045I, M1176I, M856I, M93I, M1014I, M1086I.
Identifiers: ClinVar variation 2099728 (VCV002099728.4), dbSNP rs2104486603, ClinGen allele CA346758957.
Genomic context (GRCh38, chr2:47,803,679, plus strand): 5'-TGGCAAAGCCTATTGTGTGCTTGTTACTGGACCAAATATGGGGGGCAAGTCTACGCTTAT[G>A]AGACAGGTAACTGATTCTTAAAGTTTTGTTATCAGAAAGTCATTTGTGACATTAGGAATA-3'
Protein context (NP_000170.1, residues 1134-1154): GPNMGGKSTL[Met1144Ile]RQAGLLAVMA